The following is an entry in ClinVar:

NM_023110.3(FGFR1):c.1100C>T (p.Ala367Val)

Gene: FGFR1 (fibroblast growth factor receptor 1; minus strand). Cytogenetic location: 8p11.23.
Variant type: single nucleotide variant.
Coding change: c.1100C>T on transcript NM_023110.3 (MANE Select); coding-DNA position 1100, C replaced by T.
Protein change: p.Ala367Val; replaces alanine 367 with valine.
Molecular consequence: missense variant.
Genome position (GRCh38, 1-based): chr8:38,419,717, G>A on the plus strand (C>T on the coding strand, the complement: FGFR1 is on the minus strand). VCF-style: chr8-38419717-G-A. GRCh37 (hg19) VCF-style: chr8-38277235-G-A.
Other names: c.1100C>T, p.Ala367Val (NM_001174063.2); c.1076C>T, p.Ala359Val (NM_001174064.2); c.1094C>T, p.Ala365Val (NM_001174065.2, NM_001354367.2, NM_001354369.2 and 1 more transcripts); c.833C>T, p.Ala278Val (NM_001174066.2, NM_023105.3); c.1193C>T, p.Ala398Val (NM_001174067.2); c.827C>T, p.Ala276Val (NM_001354368.2, NM_001354370.2, NM_023106.3); short protein forms A276V, A278V, A359V, A367V, A398V, A365V.
Identifiers: ClinVar variation 1505163 (VCV001505163.6), dbSNP rs1324436328, ClinGen allele CA370734006.

ClinVar aggregate classification (germline): Uncertain significance (1 of 4 stars; one submission).

Conditions:
Hypogonadotropic hypogonadism 2 with or without anosmia (HH2). Also called: HYPOGONADOTROPIC HYPOGONADISM 2 WITHOUT ANOSMIA; FGFR1-Related GnRH Deficiency (Kallmann Syndrome 2); HYPOGONADOTROPIC HYPOGONADISM 2 WITH OR WITHOUT ANOSMIA, SUSCEPTIBILITY TO; HYPOGONADOTROPIC HYPOGONADISM 2 WITHOUT ANOSMIA, SUSCEPTIBILITY TO. Identifiers: Orphanet 478, MedGen C1563720, MONDO:0007844, OMIM 147950. Disease mechanism: loss of function.
Pfeiffer syndrome (ACS5). Also called: ACS V. Identifiers: Orphanet 710, MedGen C0220658, MONDO:0007043, OMIM 101600.

Allele frequency attached by ClinVar (database versions not stated): gnomAD exomes below 0.00001 and 0.00001; gnomAD 0.00001; TOPMed 0.00001.
gnomAD v4.1: 4 of 1,614,012 alleles (0.00025%); highest among the groups gnomAD compares: Non-Finnish European, 0.00034%; no homozygotes.

Submission:

Labcorp Genetics (formerly Invitae), Labcorp
Classification: Uncertain significance for Pfeiffer syndrome; Hypogonadotropic hypogonadism 2 with or without anosmia. Last evaluated: 2025-02-20. Review status: criteria provided, single submitter. Criteria: Invitae Variant Classification Sherloc (09022015). Collection method: clinical testing. Allele origin: germline.
Comment: This sequence change replaces alanine, which is neutral and non-polar, with valine, which is neutral and non-polar, at codon 367 of the FGFR1 protein (p.Ala367Val). This variant is present in population databases (no rsID available, gnomAD 0.0009%). This variant has not been reported in the literature in individuals affected with FGFR1-related conditions. ClinVar contains an entry for this variant (Variation ID: 1505163). Invitae Evidence Modeling of protein sequence and biophysical properties (such as structural, functional, and spatial information, amino acid conservation, physicochemical variation, residue mobility, and thermodynamic stability) indicates that this missense variant is not expected to disrupt FGFR1 protein function with a negative predictive value of 80%. In summary, the available evidence is currently insufficient to determine the role of this variant in disease. Therefore, it has been classified as a Variant of Uncertain Significance.